The following is an entry in ClinVar:

NM_023110.3(FGFR1):c.2279T>G (p.Leu760Trp)

Gene: FGFR1 (fibroblast growth factor receptor 1; minus strand). Cytogenetic location: 8p11.23.
Variant type: single nucleotide variant.
Coding change: c.2279T>G on transcript NM_023110.3 (MANE Select); coding-DNA position 2279, T replaced by G.
Protein change: p.Leu760Trp; replaces leucine 760 with tryptophan.
Molecular consequence: missense variant.
Genome position (GRCh38, 1-based): chr8:38,413,931, A>C on the plus strand (T>G on the coding strand, the complement: FGFR1 is on the minus strand). VCF-style: chr8-38413931-A-C. GRCh37 (hg19) VCF-style: chr8-38271449-A-C.
Other names: c.2273T>G, p.Leu758Trp (NM_001174063.2, NM_001174065.2, NM_001354367.2 and 1 more transcripts); c.2249T>G, p.Leu750Trp (NM_001174064.2); c.2012T>G, p.Leu671Trp (NM_001174066.2, NM_023105.3); c.2372T>G, p.Leu791Trp (NM_001174067.2); c.2000T>G, p.Leu667Trp (NM_001354368.2); c.2267T>G, p.Leu756Trp (NM_001354369.2, NM_001410922.1); c.2006T>G, p.Leu669Trp (NM_001354370.2, NM_023106.3); short protein forms L667W, L669W, L671W, L750W, L756W, L758W, L760W, L791W.
Identifiers: ClinVar variation 3365092 (VCV003365092.1).

ClinVar aggregate classification (germline): Uncertain significance (1 of 4 stars; one submission).

Submission:

GeneDx
Classification: Uncertain significance. Last evaluated: 2023-12-08. Review status: criteria provided, single submitter. Criteria: GeneDx Variant Classification Process June 2021. Collection method: clinical testing. Allele origin: germline. Affected: yes.
Comment: Not observed at significant frequency in large population cohorts (gnomAD); In silico analysis supports that this missense variant has a deleterious effect on protein structure/function; Has not been previously published as pathogenic or benign to our knowledge